The following is an entry in ClinVar:

ClinVar aggregate classification (germline): Uncertain significance (1 of 4 stars; one submission).

Conditions:
PLXNA2-related disorder. Also called: PLXNA2-related condition.

gnomAD v4.1: 6 of 1,612,822 alleles (0.00037%); highest among the groups gnomAD compares: Admixed American, 0.0033%; no homozygotes.

Submission:

PreventionGenetics, part of Exact Sciences
Classification: Uncertain significance for PLXNA2-related condition. Last evaluated: 2025-08-04. Review status: criteria provided, single submitter. Criteria: ACMG Guidelines, 2015. Collection method: clinical testing. Allele origin: germline.
Comment: The PLXNA2 c.2982C>T variant is not predicted to result in an amino acid change (p.=). This variant may impact splicing based on available splicing prediction programs (SpliceAI, Jaganathan et al. 2019. PubMed ID: 30661751). To our knowledge, this variant has not been reported in the literature. This variant is reported in 0.0058% of alleles in individuals of Latino descent in gnomAD. At this time, the clinical significance of this variant is uncertain due to the absence of conclusive functional and genetic evidence.

NM_025179.4(PLXNA2):c.2982C>T (p.Cys994=)

Gene: PLXNA2 (plexin A2; minus strand). Cytogenetic location: 1q32.2.
Variant type: single nucleotide variant.
Coding change: c.2982C>T on transcript NM_025179.4 (MANE Select); coding-DNA position 2982, C replaced by T.
Protein change: p.Cys994=; no amino-acid change (cysteine 994 retained).
Molecular consequence: synonymous variant.
Genome position (GRCh38, 1-based): chr1:208,052,338, G>A on the plus strand (C>T on the coding strand, the complement: PLXNA2 is on the minus strand). VCF-style: chr1-208052338-G-A. GRCh37 (hg19) VCF-style: chr1-208225683-G-A.
Identifiers: ClinVar variation 4983794 (VCV004983794.1).